The following is an entry in ClinVar:

ClinVar aggregate classification (germline): Uncertain significance. Review status: criteria provided, multiple submitters, no conflicts (2 of 4 stars). 2 submissions from 2 submitters: Uncertain significance (2). Last evaluated 2025-03-25.

Conditions:
Intellectual developmental disorder, X-linked 30. Also called: MENTAL RETARDATION, X-LINKED 47; Intellectual disability, X-linked 30. Identifiers: Orphanet 777, MedGen C0796237, MONDO:0010361, OMIM 300558.

gnomAD v4.1: 2 of 1,209,600 alleles (0.00017%); highest among the groups gnomAD compares: Non-Finnish European, 0.00011%; no homozygotes.

Submissions (2):

Clinical Genomics Laboratory, Washington University in St. Louis
Classification: Uncertain significance for Intellectual developmental disorder, X-linked 30. Last evaluated: 2025-03-25. Review status: criteria provided, single submitter. Criteria: ACMG Guidelines, 2015. Collection method: clinical testing. Allele origin: germline.
Comment: The PAK3 c.146G>A (p.Arg49His) variant, to our knowledge, has not been reported in the medical literature. This variant is absent from the general population (gnomAD v2.1), indicating it is not a common variant. Computational predictors are uncertain as to the impact of this variant on PAK3 function. This variant has been reported in the ClinVar database as a germline variant of uncertain significance by one submitter (ClinVar Variation ID: 3378374). Due to limited information, and based on ACMG/AMP guidelines for variant interpretation (Richards S et al., PMID: 25741868), the clinical significance of this variant is uncertain at this time.

GeneDx
Classification: Uncertain significance. Last evaluated: 2024-05-16. Review status: criteria provided, single submitter. Criteria: GeneDx Variant Classification Process June 2021. Collection method: clinical testing. Allele origin: germline. Affected: yes.
Comment: Not observed at significant frequency in large population cohorts (gnomAD); In silico analysis indicates that this missense variant does not alter protein structure/function; Has not been previously published as pathogenic or benign to our knowledge

NM_002578.5(PAK3):c.146G>A (p.Arg49His)

Genes: PAK3 (p21 (RAC1) activated kinase 3; plus strand), LOC130068562 (ATAC-STARR-seq lymphoblastoid active region 29857; plus strand). Cytogenetic location: Xq23.
Variant type: single nucleotide variant.
Coding change: c.146G>A on transcript NM_002578.5 (MANE Select); coding-DNA position 146, G replaced by A.
Protein change: p.Arg49His; replaces arginine 49 with histidine.
Molecular consequence: missense variant. On other transcripts: non-coding transcript variant (9).
Genome position (GRCh38, 1-based): chrX:111,123,249, G>A. VCF-style: chrX-111123249-G-A. GRCh37 (hg19) VCF-style: chrX-110366477-G-A.
Other names: c.146G>A, p.Arg49His (NM_001128166.3, NM_001128167.3, NM_001128168.3 and 12 more transcripts); short protein forms R49H.
Identifiers: ClinVar variation 3378374 (VCV003378374.2).